The following is an entry in ClinVar:

NM_004055.5(CAPN5):c.1487+5T>C

Gene: CAPN5 (calpain 5; plus strand). Cytogenetic location: 11q13.5.
Variant type: single nucleotide variant.
Coding change: c.1487+5T>C on transcript NM_004055.5 (MANE Select); 5 bases into the intron after coding-DNA position 1487, T replaced by C.
Molecular consequence: intron variant.
Genome position (GRCh38, 1-based): chr11:77,120,914, T>C. VCF-style: chr11-77120914-T-C. GRCh37 (hg19) VCF-style: chr11-76831960-T-C.
Identifiers: ClinVar variation 1500853 (VCV001500853.5), dbSNP rs1409608258, ClinGen allele CA680401059.

ClinVar aggregate classification (germline): Conflicting classifications of pathogenicity. Review status: criteria provided, conflicting classifications (1 of 4 stars). 2 submissions from 2 submitters: Uncertain significance (1); Likely benign (1). Last evaluated 2024-11-18.

Allele frequency attached by ClinVar (database versions not stated): gnomAD exomes 0.00002; TOPMed 0.00002.
gnomAD v4.1: 25 of 1,610,338 alleles (0.0016%); highest among the groups gnomAD compares: Non-Finnish European, 0.0021%; no homozygotes.

Submissions (2):

Blueprint Genetics
Classification: Likely benign. Last evaluated: 2024-11-18. Review status: criteria provided, single submitter. Criteria: ACMG Guidelines, 2015. Collection method: clinical testing. Allele origin: germline.

Labcorp Genetics (formerly Invitae), Labcorp
Classification: Uncertain significance. Last evaluated: 2023-11-07. Review status: criteria provided, single submitter. Criteria: Invitae Variant Classification Sherloc (09022015). Collection method: clinical testing. Allele origin: germline.
Comment: This sequence change falls in intron 10 of the CAPN5 gene. It does not directly change the encoded amino acid sequence of the CAPN5 protein. It affects a nucleotide within the consensus splice site. This variant is not present in population databases (gnomAD no frequency). This variant has not been reported in the literature in individuals affected with CAPN5-related conditions. ClinVar contains an entry for this variant (Variation ID: 1500853). Variants that disrupt the consensus splice site are a relatively common cause of aberrant splicing (PMID: 17576681, 9536098). Algorithms developed to predict the effect of sequence changes on RNA splicing suggest that this variant is not likely to affect RNA splicing. In summary, the available evidence is currently insufficient to determine the role of this variant in disease. Therefore, it has been classified as a Variant of Uncertain Significance.

Literature cited by the submitters: PubMed 17576681 (cited by Labcorp Genetics (formerly Invitae), Labcorp); PubMed 9536098 (cited by Labcorp Genetics (formerly Invitae), Labcorp).